The following is an entry in ClinVar:

ClinVar aggregate classification (germline): Conflicting classifications of pathogenicity. Review status: criteria provided, conflicting classifications (1 of 4 stars). 9 submissions from 9 submitters: Uncertain significance (5); Likely benign (2). 2 of the submissions do not count toward it. Last evaluated 2026-09-24.

Conditions:
Hyperphosphatasia with impaired intellectual development syndrome 2. Also called: Hyperphosphatasia with intellectual disability syndrome 2; GLYCOSYLPHOSPHATIDYLINOSITOL BIOSYNTHESIS DEFECT 6. Identifiers: Orphanet 247262, MedGen C3553637, MONDO:0013882, OMIM 614749.
PIGO-related disorder. Also called: PIGO-related condition.
Intellectual disability. Also called: intellectual disabilities; Intellectual functioning disability; Intellectual developmental disorder. Identifiers: MedGen C3714756, MeSH D008607, MONDO:0001071, HP:0001249.

Allele frequency attached by ClinVar (database versions not stated): ESP Exome Variant Server 0.00146; ExAC 0.00068; gnomAD 0.00082 and 0.00093; TOPMed 0.00094; 1000 Genomes Project 0.00080; gnomAD exomes 0.00080 and 0.00128; 1000 Genomes Project 30x 0.00094.
gnomAD v4.1: 2,016 of 1,614,234 alleles (0.12%); highest among the groups gnomAD compares: Non-Finnish European, 0.16%; 1 homozygote.

Submissions (9):

GeneDx
Classification: Uncertain significance. Last evaluated: 2026-09-24. Review status: criteria provided, single submitter. Criteria: GeneDx Variant Classification Process June 2021. Collection method: clinical testing. Allele origin: germline.
Comment: Reported as a single heterozygous likely benign variant in a proband with epilepsy (PMID: 40565516); In silico analysis supports that this missense variant has a deleterious effect on protein structure/function; This variant is associated with the following publications: (PMID: 40565516)

Labcorp Genetics (formerly Invitae), Labcorp
Classification: Likely benign for Hyperphosphatasia with impaired intellectual development syndrome 2. Last evaluated: 2026-01-20. Review status: criteria provided, single submitter. Criteria: Invitae Variant Classification Sherloc (09022015). Collection method: clinical testing. Allele origin: germline.

Blueprint Genetics
Classification: Uncertain significance. Last evaluated: 2024-11-08. Review status: criteria provided, single submitter. Criteria: ACMG Guidelines, 2015. Collection method: clinical testing. Allele origin: germline.

Athena Diagnostics
Classification: Likely benign. Last evaluated: 2020-01-23. Review status: criteria provided, single submitter. Criteria: Athena Diagnostics Criteria. Collection method: clinical testing. Allele origin: unknown.

Institute for Clinical Genetics, University Hospital TU Dresden, University Hospital TU Dresden
Classification: Uncertain significance. Last evaluated: 2019-04-23. Review status: criteria provided, single submitter. Criteria: ACMG Guidelines, 2015. Collection method: clinical testing. Allele origin: maternal.
Comment: PP3, BS2

Fulgent Genetics
Classification: Uncertain significance for Hyperphosphatasia with impaired intellectual development syndrome 2. Last evaluated: 2018-10-31. Review status: criteria provided, single submitter. Criteria: ACMG Guidelines, 2015. Collection method: clinical testing. Allele origin: unknown.

Illumina Laboratory Services, Illumina
Classification: Uncertain significance for Hyperphosphatasia with impaired intellectual development syndrome 2. Last evaluated: 2018-01-13. Review status: criteria provided, single submitter. Criteria: ICSL Variant Classification Criteria 13 December 2019. Collection method: clinical testing. Allele origin: germline.

PreventionGenetics, part of Exact Sciences
Classification: Likely benign for PIGO-related condition. Last evaluated: 2023-10-23. Review status: no assertion criteria provided. Collection method: clinical testing. Allele origin: germline. Not counted in ClinVar's aggregate classification.
Comment: This variant is classified as likely benign based on ACMG/AMP sequence variant interpretation guidelines (Richards et al. 2015 PMID: 25741868, with internal and published modifications).

Centre de Biologie Pathologie Génétique, Centre Hospitalier Universitaire de Lille
Classification: Uncertain significance for Intellectual disability. Last evaluated: 2019-01-01. Review status: no assertion criteria provided. Collection method: clinical testing. Allele origin: unknown. Affected: yes. Not counted in ClinVar's aggregate classification.

NM_032634.4(PIGO):c.3163T>C (p.Phe1055Leu)

Gene: PIGO (phosphatidylinositol glycan anchor biosynthesis class O; minus strand). Cytogenetic location: 9p13.3.
Variant type: single nucleotide variant.
Coding change: c.3163T>C on transcript NM_032634.4 (MANE Select); coding-DNA position 3163, T replaced by C.
Protein change: p.Phe1055Leu; replaces phenylalanine 1055 with leucine.
Molecular consequence: missense variant.
Genome position (GRCh38, 1-based): chr9:35,089,199, A>G on the plus strand (T>C on the coding strand, the complement: PIGO is on the minus strand). VCF-style: chr9-35089199-A-G. GRCh37 (hg19) VCF-style: chr9-35089196-A-G.
Other names: c.1912T>C, p.Phe638Leu (NM_001201484.2, NM_152850.4); short protein forms F1055L, F638L.
Identifiers: ClinVar variation 378364 (VCV000378364.28), dbSNP rs147316771, ClinGen allele CA5040219.